The following is an entry in ClinVar:

ClinVar aggregate classification (germline): Uncertain significance. Review status: criteria provided, multiple submitters, no conflicts (2 of 4 stars). 3 submissions from 3 submitters: Uncertain significance (3). Last evaluated 2025-03-04.

Conditions:
Cardiovascular phenotype. Identifiers: MedGen CN230736.
RASopathy. Also called: Noonan spectrum disorder; rasopathies. Identifiers: Orphanet 536391, MedGen C5555857, MONDO:0021060.

gnomAD v4.1: 1 of 1,613,946 alleles (0.000062%); highest among the groups gnomAD compares: African/African-American, 0.0013%; no homozygotes.

Submissions (3):

Ambry Genetics
Classification: Uncertain significance for Cardiovascular phenotype. Last evaluated: 2025-03-04. Review status: criteria provided, single submitter. Criteria: Ambry Variant Classification Scheme 2023. Collection method: clinical testing. Allele origin: germline.
Comment: The p.N616I variant (also known as c.1847A>T), located in coding exon 11 of the CBL gene, results from an A to T substitution at nucleotide position 1847. The asparagine at codon 616 is replaced by isoleucine, an amino acid with dissimilar properties. This amino acid position is conserved. In addition, the in silico prediction for this alteration is inconclusive. Based on the available evidence, the clinical significance of this variant remains unclear.

Labcorp Genetics (formerly Invitae), Labcorp
Classification: Uncertain significance for RASopathy. Last evaluated: 2024-11-09. Review status: criteria provided, single submitter. Criteria: Invitae Variant Classification Sherloc (09022015). Collection method: clinical testing. Allele origin: germline.
Comment: This sequence change replaces asparagine, which is neutral and polar, with isoleucine, which is neutral and non-polar, at codon 616 of the CBL protein (p.Asn616Ile). This variant is not present in population databases (gnomAD no frequency). This variant has not been reported in the literature in individuals affected with CBL-related conditions. ClinVar contains an entry for this variant (Variation ID: 2051762). Invitae Evidence Modeling of protein sequence and biophysical properties (such as structural, functional, and spatial information, amino acid conservation, physicochemical variation, residue mobility, and thermodynamic stability) has been performed for this missense variant. However, the output from this modeling did not meet the statistical confidence thresholds required to predict the impact of this variant on CBL protein function. In summary, the available evidence is currently insufficient to determine the role of this variant in disease. Therefore, it has been classified as a Variant of Uncertain Significance.

GeneDx
Classification: Uncertain significance. Last evaluated: 2024-09-18. Review status: criteria provided, single submitter. Criteria: GeneDx Variant Classification Process June 2021. Collection method: clinical testing. Allele origin: germline. Affected: yes.
Comment: Not observed at significant frequency in large population cohorts (gnomAD); In silico analysis supports that this missense variant has a deleterious effect on protein structure/function; Has not been previously published as pathogenic or benign to our knowledge; This variant is associated with the following publications: (PMID: 20619386)

NM_005188.4(CBL):c.1847A>T (p.Asn616Ile)

Gene: CBL (Cbl proto-oncogene; plus strand). Cytogenetic location: 11q23.3.
Variant type: single nucleotide variant.
Coding change: c.1847A>T on transcript NM_005188.4 (MANE Select); coding-DNA position 1847, A replaced by T.
Protein change: p.Asn616Ile; replaces asparagine 616 with isoleucine.
Molecular consequence: missense variant.
Genome position (GRCh38, 1-based): chr11:119,285,472, A>T. VCF-style: chr11-119285472-A-T. GRCh37 (hg19) VCF-style: chr11-119156182-A-T.
Other names: c.1847A>T (NM_005188.2); short protein forms N616I.
Identifiers: ClinVar variation 2051762 (VCV002051762.5), dbSNP rs376094293, ClinGen allele CA382920646.
Genomic context (GRCh38, chr11:119,285,472, plus strand): 5'-CCAAAGTACCAGTATCTGCCCCAAGTTCCAGTGATCCCTGGACAGGAAGAGAATTAACCA[A>T]CCGGCACTCACTTCCATTTTCATTGCCCTCACAAATGGAGCCCAGACCAGATGTGCCTAG-3'
Protein context (NP_005179.2, residues 606-626): SDPWTGRELT[Asn616Ile]RHSLPFSLPS